The following is an entry in ClinVar:

ClinVar aggregate classification (germline): Pathogenic (1 of 4 stars; one submission).

Submission:

Labcorp Genetics (formerly Invitae), Labcorp
Classification: Pathogenic. Last evaluated: 2023-11-21. Review status: criteria provided, single submitter. Criteria: Invitae Variant Classification Sherloc (09022015). Collection method: clinical testing. Allele origin: germline.
Comment: This sequence change creates a premature translational stop signal (p.Trp151*) in the CERKL gene. It is expected to result in an absent or disrupted protein product. Loss-of-function variants in CERKL are known to be pathogenic (PMID: 14681825, 23591405, 24043777). This variant is not present in population databases (gnomAD no frequency). This premature translational stop signal has been observed in individual(s) with retinitis pigmentosa (PMID: 31213501). For these reasons, this variant has been classified as Pathogenic.

Literature cited by the submitters: PubMed 14681825; PubMed 23591405; PubMed 24043777; PubMed 31213501.

NM_201548.5(CERKL):c.452G>A (p.Trp151Ter)

Gene: CERKL (CERK like autophagy regulator; minus strand). Cytogenetic location: 2q31.3.
Variant type: single nucleotide variant.
Coding change: c.452G>A on transcript NM_201548.5 (MANE Select); coding-DNA position 452, G replaced by A.
Protein change: p.Trp151Ter; replaces tryptophan 151 with a stop codon.
Molecular consequence: nonsense. On other transcripts: non-coding transcript variant (2).
Genome position (GRCh38, 1-based): chr2:181,603,866, C>T on the plus strand (G>A on the coding strand, the complement: CERKL is on the minus strand). VCF-style: chr2-181603866-C-T. GRCh37 (hg19) VCF-style: chr2-182468593-C-T.
Other names: c.452G>A, p.Trp151Ter (NM_001030311.3, NM_001030312.3, NM_001030313.3 and 3 more transcripts); short protein forms W151*.
Identifiers: ClinVar variation 2697859 (VCV002697859.3), dbSNP rs2468432758, ClinGen allele CA349729826.